The following is an entry in ClinVar:

NM_001005273.3(CHD3):c.3650_3652dup (p.Ala1217_Gly1218insAla)

Gene: CHD3 (chromodomain helicase DNA binding protein 3; plus strand). Cytogenetic location: 17p13.1.
Variant type: Duplication.
Coding change: c.3650_3652dup on transcript NM_001005273.3 (MANE Select); coding-DNA positions 3650 to 3652, 3 bases duplicated (CAG; older notation c.3650_3652dupCAG).
Protein change: p.Ala1217_Gly1218insAla.
Molecular consequence: inframe insertion.
Genome position (GRCh38, 1-based): chr17:7,903,426-7,903,428, CAG duplicated; duplicating any 3 consecutive bases within chr17:7,903,425-7,903,428 gives the same sequence; the c. name uses the placement nearest the transcript's 3' end. VCF-style (leftmost placement, unchanged base first): chr17-7903424-G-GGCA. GRCh37 (hg19) VCF-style: chr17-7806742-G-GGCA.
Other names: c.3827_3829dup, p.Ala1276_Gly1277insAla (NM_001005271.3); c.3650_3652dup, p.Ala1217_Gly1218insAla (NM_005852.4).
Identifiers: ClinVar variation 3775349 (VCV003775349.1).

ClinVar aggregate classification (germline): Uncertain significance (1 of 4 stars; one submission).

Conditions:
Snijders Blok-Campeau syndrome. Also called: INTELLECTUAL DEVELOPMENTAL DISORDER WITH MACROCEPHALY, SPEECH DELAY, AND DYSMORPHIC FACIES. Identifiers: Orphanet 599082, MedGen C4748701, MONDO:0032600, OMIM 618205.

Submission:

3billion
Classification: Uncertain significance for Snijders Blok-Campeau syndrome. Last evaluated: 2023-11-07. Review status: criteria provided, single submitter. Criteria: ACMG Guidelines, 2015. Collection method: clinical testing. Allele origin: germline. Affected: yes.
Comment: The variant is not observed in the gnomAD v2.1.1 dataset. Predicted Consequence/Location: Inframe insertion located in a nonrepeat region: predicted to change the length of the protein and disrupt normal protein function. Therefore, this variant is classified as VUS according to the recommendation of ACMG/AMP guideline.